The following is an entry in ClinVar:

ClinVar aggregate classification (germline): Uncertain significance (1 of 4 stars; one submission).

Conditions:
Intellectual developmental disorder, autosomal dominant 1. Also called: Intellectual disability, autosomal dominant 1; MBD5 Haploinsufficiency. Identifiers: Orphanet 228402, MedGen C1969562, MONDO:0007974, OMIM 156200.

Allele frequency attached by ClinVar (database versions not stated): gnomAD exomes below 0.00001; ExAC 0.00001.
gnomAD v4.1: 2 of 1,613,988 alleles (0.00012%); highest among the groups gnomAD compares: Admixed American, 0.0033%; no homozygotes.

Submission:

Labcorp Genetics (formerly Invitae), Labcorp
Classification: Uncertain significance for Intellectual developmental disorder, autosomal dominant 1. Last evaluated: 2022-03-04. Review status: criteria provided, single submitter. Criteria: Invitae Variant Classification Sherloc (09022015). Collection method: clinical testing. Allele origin: germline.
Comment: Algorithms developed to predict the effect of missense changes on protein structure and function are either unavailable or do not agree on the potential impact of this missense change (SIFT: "Deleterious"; PolyPhen-2: "Benign"; Align-GVGD: "Class C45"). In summary, the available evidence is currently insufficient to determine the role of this variant in disease. Therefore, it has been classified as a Variant of Uncertain Significance. This variant has not been reported in the literature in individuals affected with MBD5-related conditions. This variant is present in population databases (rs757558505, gnomAD 0.003%). This sequence change replaces serine, which is neutral and polar, with asparagine, which is neutral and polar, at codon 668 of the MBD5 protein (p.Ser668Asn).

NM_001378120.1(MBD5):c.2003G>A (p.Ser668Asn)

Gene: MBD5 (methyl-CpG binding domain protein 5; plus strand). Cytogenetic location: 2q23.1.
Variant type: single nucleotide variant.
Coding change: c.2003G>A on transcript NM_001378120.1 (MANE Select); coding-DNA position 2003, G replaced by A.
Protein change: p.Ser668Asn; replaces serine 668 with asparagine.
Molecular consequence: missense variant.
Genome position (GRCh38, 1-based): chr2:148,469,946, G>A. VCF-style: chr2-148469946-G-A. GRCh37 (hg19) VCF-style: chr2-149227515-G-A.
Other names: c.2003G>A, p.Ser668Asn (NM_018328.5); short protein forms S668N.
Identifiers: ClinVar variation 2106792 (VCV002106792.4), dbSNP rs757558505, ClinGen allele CA1900087.